The following is an entry in ClinVar:

ClinVar aggregate classification (germline): Uncertain significance (1 of 4 stars; one submission).

Submission:

GeneDx
Classification: Uncertain significance. Last evaluated: 2025-05-06. Review status: criteria provided, single submitter. Criteria: GeneDx Variant Classification Process June 2021. Collection method: clinical testing. Allele origin: germline. Affected: yes.
Comment: Not observed at significant frequency in large population cohorts (gnomAD); In silico analysis supports that this missense variant has a deleterious effect on protein structure/function; Has not been previously published as pathogenic or benign to our knowledge

NM_001205019.2(GK):c.346G>A (p.Asp116Asn)

Gene: GK (glycerol kinase; plus strand). Cytogenetic location: Xp21.2.
Variant type: single nucleotide variant.
Coding change: c.346G>A on transcript NM_001205019.2 (MANE Select); coding-DNA position 346, G replaced by A.
Protein change: p.Asp116Asn; replaces aspartic acid 116 with asparagine.
Molecular consequence: missense variant. On other transcripts: non-coding transcript variant (7).
Genome position (GRCh38, 1-based): chrX:30,691,131, G>A. VCF-style: chrX-30691131-G-A. GRCh37 (hg19) VCF-style: chrX-30709248-G-A.
Other names: c.346G>A, p.Asp116Asn (NM_000167.6, NM_001128127.3, NM_203391.4); c.430G>A, p.Asp144Asn (NM_001399987.1, NM_001437590.1); short protein forms D116N, D144N.
Identifiers: ClinVar variation 4527947 (VCV004527947.1).